The following is an entry in ClinVar:

ClinVar aggregate classification (germline): Pathogenic (1 of 4 stars; one submission).

Conditions:
Autosomal recessive limb-girdle muscular dystrophy type 2A (LGMDR1). Also called: LEYDEN-MOEBIUS MUSCULAR DYSTROPHY; MUSCULAR DYSTROPHY, PELVOFEMORAL; Muscular dystrophy, limb-girdle, type 2A, Amish; Limb-girdle muscular dystrophy, type 2A; Calpainopathy. Identifiers: Orphanet 267, MedGen C1869123, MONDO:0009675, OMIM 253600. Disease mechanism: loss of function.

Submission:

Labcorp Genetics (formerly Invitae), Labcorp
Classification: Pathogenic for Autosomal recessive limb-girdle muscular dystrophy type 2A. Last evaluated: 2023-04-26. Review status: criteria provided, single submitter. Criteria: Invitae Variant Classification Sherloc (09022015). Collection method: clinical testing. Allele origin: germline.
Comment: This sequence change creates a premature translational stop signal (p.Glu107Aspfs*17) in the CAPN3 gene. It is expected to result in an absent or disrupted protein product. Loss-of-function variants in CAPN3 are known to be pathogenic (PMID: 10330340, 15689361). For these reasons, this variant has been classified as Pathogenic. This variant has not been reported in the literature in individuals affected with CAPN3-related conditions. This variant is not present in population databases (gnomAD no frequency).

Literature cited by the submitters: PubMed 10330340; PubMed 15689361.

NM_000070.3(CAPN3):c.321_330del (p.Glu107fs)

Gene: CAPN3 (calpain 3; plus strand). Cytogenetic location: 15q15.1.
Variant type: Deletion.
Coding change: c.321_330del on transcript NM_000070.3 (MANE Select); coding-DNA positions 321 to 330, 10 bases deleted (GAATCCCCGA; older notation c.321_330delGAATCCCCGA).
Protein change: p.Glu107fs; shifts the reading frame from glutamic acid 107.
Molecular consequence: frameshift variant.
Genome position (GRCh38, 1-based): chr15:42,384,494-42,384,503, GAATCCCCGA deleted; deleting any 10 consecutive bases within chr15:42,384,491-42,384,503 gives the same sequence; the c. name uses the placement nearest the transcript's 3' end. VCF-style (leftmost placement, unchanged base first): chr15-42384490-GCGAGAATCCC-G. GRCh37 (hg19) VCF-style: chr15-42676688-GCGAGAATCCC-G.
Other names: c.321_330del, p.Glu107fs (NM_024344.2, NM_173087.2); c.60_69delGAATCCCCGA, p.Glu20Aspfs (NM_212464.2, NM_212467.2); short protein forms E107fs.
Identifiers: ClinVar variation 2859404 (VCV002859404.3), dbSNP rs2548252687, ClinGen allele CA2739278324.